The following is an entry in ClinVar:

ClinVar aggregate classification (germline): Uncertain significance. Review status: criteria provided, multiple submitters, no conflicts (2 of 4 stars). 2 submissions from 2 submitters: Uncertain significance (2). Last evaluated 2021-06-22.

Conditions:
Fanconi anemia (FA). Also called: Fanconi's anemia. Identifiers: Orphanet 84, MedGen C0015625, MeSH D005199, MONDO:0019391.

Allele frequency attached by ClinVar (database versions not stated): gnomAD exomes below 0.00001 and 0.00001; TOPMed below 0.00001; ExAC 0.00001.
gnomAD v4.1: 16 of 1,613,606 alleles (0.00099%); highest among the groups gnomAD compares: Non-Finnish European, 0.0014%; no homozygotes.

Submissions (2):

Labcorp Genetics (formerly Invitae), Labcorp
Classification: Uncertain significance for Fanconi anemia. Last evaluated: 2021-06-22. Review status: criteria provided, single submitter. Criteria: Invitae Variant Classification Sherloc (09022015). Collection method: clinical testing. Allele origin: germline.
Comment: This sequence change replaces leucine with proline at codon 570 of the FANCM protein (p.Leu570Pro). The leucine residue is moderately conserved and there is a moderate physicochemical difference between leucine and proline. In summary, the available evidence is currently insufficient to determine the role of this variant in disease. Therefore, it has been classified as a Variant of Uncertain Significance. Algorithms developed to predict the effect of missense changes on protein structure and function are either unavailable or do not agree on the potential impact of this missense change (SIFT: "Deleterious"; PolyPhen-2: "Probably Damaging"; Align-GVGD: "Class C0"). This variant has not been reported in the literature in individuals with FANCM-related conditions. This variant is present in population databases (rs757831397, ExAC 0.002%).

GeneDx
Classification: Uncertain significance. Last evaluated: 2021-03-29. Review status: criteria provided, single submitter. Criteria: GeneDx Variant Classification Process June 2021. Collection method: clinical testing. Allele origin: germline. Affected: yes.
Comment: Not observed at a significant frequency in large population cohorts (Lek 2016); In silico analysis supports that this missense variant has a deleterious effect on protein structure/function; Has not been previously published as pathogenic or benign to our knowledge

NM_020937.4(FANCM):c.1709T>C (p.Leu570Pro)

Gene: FANCM (FA complementation group M; plus strand). Cytogenetic location: 14q21.2.
Variant type: single nucleotide variant.
Coding change: c.1709T>C on transcript NM_020937.4 (MANE Select); coding-DNA position 1709, T replaced by C.
Protein change: p.Leu570Pro; replaces leucine 570 with proline.
Molecular consequence: missense variant.
Genome position (GRCh38, 1-based): chr14:45,164,486, T>C. VCF-style: chr14-45164486-T-C. GRCh37 (hg19) VCF-style: chr14-45633689-T-C.
Other names: c.1631T>C, p.Leu544Pro (NM_001308133.2); c.1709T>C, p.Leu570Pro (NM_001308134.2); short protein forms L544P, L570P.
Identifiers: ClinVar variation 1314442 (VCV001314442.9), dbSNP rs757831397, ClinGen allele CA7169130.
Genomic context (GRCh38, chr14:45,164,486, plus strand): 5'-TGGATATAGGAGAAGTTGATCTTATAATATGTTTTGATTCCCAGAAGAGCCCAATTCGTC[T>C]TGTACAACGAATGGGTAGAACTGGCCGTAAACGTCAAGGCAGGATAGTTATTATCCTTTC-3'
Protein context (NP_065988.1, residues 560-580): CFDSQKSPIR[Leu570Pro]VQRMGRTGRK